The following is an entry in ClinVar:

ClinVar aggregate classification (germline): Pathogenic. Review status: criteria provided, multiple submitters, no conflicts (2 of 4 stars). 2 submissions from 2 submitters: Pathogenic (2). Last evaluated 2024-08-22.

Conditions:
Developmental and epileptic encephalopathy, 8 (DEE8). Also called: HYPEREKPLEXIA AND EPILEPSY. Identifiers: Orphanet 163985, Orphanet 2076, MedGen C1845102, MONDO:0010375, OMIM 300607.
Inborn genetic diseases. Identifiers: MedGen C0950123, MeSH D030342.

Submissions (2):

Ambry Genetics
Classification: Pathogenic for Inborn genetic diseases. Last evaluated: 2024-08-22. Review status: criteria provided, single submitter. Criteria: Ambry Variant Classification Scheme 2023. Collection method: clinical testing. Allele origin: germline.
Comment: The c.754C>T (p.Q252*) alteration, located in exon 5 (coding exon 5) of the ARHGEF9 gene, consists of a C to T substitution at nucleotide position 754. This changes the amino acid from a glutamine (Q) to a stop codon at amino acid position 252. This alteration is expected to result in loss of function by premature protein truncation or nonsense-mediated mRNA decay. This variant was not reported in population-based cohorts in the Genome Aggregation Database (gnomAD). This variant was reported in the hemizygous state in an individual with epilepsy (Ganapathy, 2019). Based on the available evidence, this alteration is classified as pathogenic.

Labcorp Genetics (formerly Invitae), Labcorp
Classification: Pathogenic for Developmental and epileptic encephalopathy, 8. Last evaluated: 2022-12-18. Review status: criteria provided, single submitter. Criteria: Invitae Variant Classification Sherloc (09022015). Collection method: clinical testing. Allele origin: germline.
Comment: This variant is not present in population databases (gnomAD no frequency). This sequence change creates a premature translational stop signal (p.Gln252*) in the ARHGEF9 gene. It is expected to result in an absent or disrupted protein product. Loss-of-function variants in ARHGEF9 are known to be pathogenic (PMID: 25678704, 26834553, 28589176). This premature translational stop signal has been observed in individual(s) with clinical features of ARHGEF9-related conditions (PMID: 31069529). For these reasons, this variant has been classified as Pathogenic.

Literature cited by the submitters: PubMed 31069529 (cited by Ambry Genetics and Labcorp Genetics (formerly Invitae), Labcorp); PubMed 25678704 (cited by Labcorp Genetics (formerly Invitae), Labcorp); PubMed 26834553 (cited by Labcorp Genetics (formerly Invitae), Labcorp); PubMed 28589176 (cited by Labcorp Genetics (formerly Invitae), Labcorp).

NM_001353921.2(ARHGEF9):c.775C>T (p.Gln259Ter)

Gene: ARHGEF9 (Cdc42 guanine nucleotide exchange factor 9; minus strand). Cytogenetic location: Xq11.1.
Variant type: single nucleotide variant.
Coding change: c.775C>T on transcript NM_001353921.2 (MANE Select); coding-DNA position 775, C replaced by T.
Protein change: p.Gln259Ter; replaces glutamine 259 with a stop codon.
Molecular consequence: nonsense.
Genome position (GRCh38, 1-based): chrX:63,678,380, G>A on the plus strand (C>T on the coding strand, the complement: ARHGEF9 is on the minus strand). VCF-style: chrX-63678380-G-A. GRCh37 (hg19) VCF-style: chrX-62898260-G-A.
Other names: c.595C>T, p.Gln199Ter (NM_001173479.2); c.448C>T, p.Gln150Ter (NM_001173480.2, NM_001369042.1); c.691C>T, p.Gln231Ter (NM_001330495.2, NM_001353927.2, NM_001369033.1 and 8 more transcripts); c.775C>T, p.Gln259Ter (NM_001353922.2); c.793C>T, p.Gln265Ter (NM_001353923.1); c.574C>T, p.Gln192Ter (NM_001353924.2, NM_001353926.2, NM_001369039.1 and 1 more transcripts); c.754C>T, p.Gln252Ter (NM_001353928.2, NM_001369030.1, NM_001369031.1 and 2 more transcripts); c.340C>T, p.Gln114Ter (NM_001369045.1); and 1 more; short protein forms Q252*, Q150*, Q259*, Q192*, Q199*, Q114*, Q231*, Q265*.
Identifiers: ClinVar variation 2820386 (VCV002820386.4), dbSNP rs2519750588, ClinGen allele CA16020674.
Genomic context (GRCh38, chrX:63,678,380, plus strand): 5'-TGACTCCCTCGATCCCTTACCTGTGGTCTTGGGCAGTATACTTTAGGAGCTCAGCCAACT[G>A]TAAGGGATACTTGCAGATCTTCTGCACTGGAGTCAAAAGGAAACCATCGATAGCAATGTC-3'